The following is an entry in ClinVar:

NM_001854.4(COL11A1):c.4552A>C (p.Thr1518Pro)

Gene: COL11A1 (collagen type XI alpha 1 chain; minus strand). Cytogenetic location: 1p21.1.
Variant type: single nucleotide variant.
Coding change: c.4552A>C on transcript NM_001854.4 (MANE Select); coding-DNA position 4552, A replaced by C.
Protein change: p.Thr1518Pro; replaces threonine 1518 with proline.
Molecular consequence: missense variant. On other transcripts: non-coding transcript variant (1).
Genome position (GRCh38, 1-based): chr1:102,888,725, T>G on the plus strand (A>C on the coding strand, the complement: COL11A1 is on the minus strand). VCF-style: chr1-102888725-T-G. GRCh37 (hg19) VCF-style: chr1-103354281-T-G.
Other names: c.4435A>C, p.Thr1479Pro (NM_001190709.2); c.4588A>C, p.Thr1530Pro (NM_080629.3); c.4204A>C, p.Thr1402Pro (NM_080630.4); short protein forms T1518P, T1530P, T1402P, T1479P.
Identifiers: ClinVar variation 388611 (VCV000388611.3), dbSNP rs1057523166, ClinGen allele CA16603371.

ClinVar aggregate classification (germline): Uncertain significance (1 of 4 stars; one submission).

Submission:

GeneDx
Classification: Uncertain significance. Last evaluated: 2021-03-11. Review status: criteria provided, single submitter. Criteria: GeneDx Variant Classification Process June 2021. Collection method: clinical testing. Allele origin: germline. Affected: yes.
Comment: Not observed in large population cohorts (Lek et al., 2016); In silico analysis supports that this missense variant does not alter protein structure/function; Has not been previously published as pathogenic or benign to our knowledge